The following is an entry in ClinVar:

NM_015378.4(VPS13D):c.97G>C (p.Gly33Arg)

Gene: VPS13D (vacuolar protein sorting 13 homolog D; plus strand). Cytogenetic location: 1p36.22.
Variant type: single nucleotide variant.
Coding change: c.97G>C on transcript NM_015378.4 (MANE Select); coding-DNA position 97, G replaced by C.
Protein change: p.Gly33Arg; replaces glycine 33 with arginine.
Molecular consequence: missense variant.
Genome position (GRCh38, 1-based): chr1:12,234,363, G>C. VCF-style: chr1-12234363-G-C. GRCh37 (hg19) VCF-style: chr1-12294420-G-C.
Other names: c.97G>C, p.Gly33Arg (NM_018156.4); short protein forms G33R.
Identifiers: ClinVar variation 2229178 (VCV002229178.3), dbSNP rs149995860, ClinGen allele CA601110.

ClinVar aggregate classification (germline): Uncertain significance (1 of 4 stars; one submission).

Conditions:
Inborn genetic diseases. Identifiers: MedGen C0950123, MeSH D030342.

Allele frequency attached by ClinVar (database versions not stated): TOPMed 0.00002; ExAC 0.00005; ESP Exome Variant Server 0.00008.
gnomAD v4.1: 48 of 1,612,726 alleles (0.003%); highest among the groups gnomAD compares: Non-Finnish European, 0.004%; no homozygotes.

Submission:

Ambry Genetics
Classification: Uncertain significance for Inborn genetic diseases. Last evaluated: 2024-05-22. Review status: criteria provided, single submitter. Criteria: Ambry Variant Classification Scheme 2023. Collection method: clinical testing. Allele origin: germline.
Comment: The c.97G>C (p.G33R) alteration is located in exon 2 (coding exon 1) of the VPS13D gene. This alteration results from a G to C substitution at nucleotide position 97, causing the glycine (G) at amino acid position 33 to be replaced by an arginine (R). The p.G33R alteration is predicted to be deleterious by in silico analysis. Based on insufficient or conflicting evidence, the clinical significance of this alteration remains unclear.